The following is an entry in ClinVar:

NM_024422.6(DSC2):c.951C>T (p.Asp317=)

Gene: DSC2 (desmocollin 2; minus strand). Cytogenetic location: 18q12.1.
Variant type: single nucleotide variant.
Coding change: c.951C>T on transcript NM_024422.6 (MANE Select); coding-DNA position 951, C replaced by T.
Protein change: p.Asp317=; no amino-acid change (aspartic acid 317 retained).
Molecular consequence: synonymous variant.
Genome position (GRCh38, 1-based): chr18:31,083,052, G>A on the plus strand (C>T on the coding strand, the complement: DSC2 is on the minus strand). VCF-style: chr18-31083052-G-A. GRCh37 (hg19) VCF-style: chr18-28663018-G-A.
Other names: c.951C>T, p.Asp317= (NM_004949.5).
Identifiers: ClinVar variation 536280 (VCV000536280.13), dbSNP rs749810775, ClinGen allele CA040937.

ClinVar aggregate classification (germline): Likely benign. Review status: criteria provided, multiple submitters, no conflicts (2 of 4 stars). 5 submissions from 5 submitters: Likely benign (5). Last evaluated 2026-06-26.

Conditions:
Cardiovascular phenotype. Identifiers: MedGen CN230736.
Familial isolated arrhythmogenic right ventricular dysplasia. Identifiers: Orphanet 217656, MedGen C4274968, MONDO:0016342.
Cardiomyopathy (CMYO). Also called: Cardiomyopathies. Identifiers: Orphanet 167848, MedGen C0878544, MONDO:0004994, HP:0001638. Inheritance: Various modes of inheritance.
Arrhythmogenic right ventricular dysplasia 11. Also called: ARRHYTHMOGENIC RIGHT VENTRICULAR DYSPLASIA, FAMILIAL, 11; Arrhythmogenic right ventricular dysplasia 11 with mild palmoplantar keratoderma and woolly hair; Arrhythmogenic Right Ventricular Dysplasia/Cardiomyopathy11. Identifiers: MedGen C1864850, MONDO:0012506, OMIM 610476.

Allele frequency attached by ClinVar (database versions not stated): gnomAD exomes 0.00002 and below 0.00001; gnomAD 0.00009 and 0.00007; ExAC 0.00005; TOPMed 0.00006.
gnomAD v4.1: 17 of 1,611,506 alleles (0.0011%); highest among the groups gnomAD compares: African/African-American, 0.015%; no homozygotes.

Submissions (5):

Women's Health and Genetics/Laboratory Corporation of America, LabCorp
Classification: Likely benign. Last evaluated: 2026-06-26. Review status: criteria provided, single submitter. Criteria: LabCorp Variant Classification Summary - May 2015. Collection method: clinical testing. Allele origin: germline.

Labcorp Genetics (formerly Invitae), Labcorp
Classification: Likely benign for Arrhythmogenic right ventricular dysplasia 11. Last evaluated: 2025-12-29. Review status: criteria provided, single submitter. Criteria: Invitae Variant Classification Sherloc (09022015). Collection method: clinical testing. Allele origin: germline.

All of Us Research Program, National Institutes of Health
Classification: Likely benign for Familial isolated arrhythmogenic right ventricular dysplasia. Last evaluated: 2023-12-13. Review status: criteria provided, single submitter. Criteria: ACMG Guidelines, 2015. Collection method: clinical testing. Allele origin: germline. Inheritance: Autosomal dominant inheritance. Observed: 3 variant alleles, 3 heterozygotes.
Comment: This study involves interpretation of variants in research participants for the purpose of population health screening. Participant phenotype was not available at the time of variant classification. Additional details can be found in publication PMID: 35346344, PMCID: PMC8962531

Color Diagnostics, LLC DBA Color Health
Classification: Likely benign for Cardiomyopathy. Last evaluated: 2021-10-27. Review status: criteria provided, single submitter. Criteria: ACMG Guidelines, 2015. Collection method: clinical testing. Allele origin: germline.

Ambry Genetics
Classification: Likely benign for Cardiovascular phenotype. Last evaluated: 2019-08-01. Review status: criteria provided, single submitter. Criteria: Ambry Variant Classification Scheme 2023. Collection method: clinical testing. Allele origin: germline.